The following is an entry in ClinVar:

NM_001079668.3(NKX2-1):c.532dup (p.Asp178fs)

Genes: NKX2-1 (NK2 homeobox 1; minus strand), SFTA3 (surfactant associated 3; minus strand). Cytogenetic location: 14q13.3.
Variant type: Duplication.
Coding change: c.532dup on transcript NM_001079668.3 (MANE Select); coding-DNA position 532, one base duplicated (G; older notation c.532dupG).
Protein change: p.Asp178fs; shifts the reading frame from aspartic acid 178.
Molecular consequence: frameshift variant.
Genome position (GRCh38, 1-based): chr14:36,517,952, C duplicated on the plus strand (G on the coding strand, the reverse complement: NKX2-1 is on the minus strand); the first of 5 consecutive C bases (chr14:36,517,952-36,517,956); duplicating any one gives the same sequence. VCF-style (leftmost placement, unchanged base first): chr14-36517951-T-TC. GRCh37 (hg19) VCF-style: chr14-36987156-T-TC.
Other names: c.442dup, p.Asp148fs (NM_003317.4); short protein forms D148fs, D178fs.
Identifiers: ClinVar variation 2840265 (VCV002840265.3), dbSNP rs2139408039, ClinGen allele CA2739278429.

ClinVar aggregate classification (germline): Pathogenic (1 of 4 stars; one submission).

Submission:

Labcorp Genetics (formerly Invitae), Labcorp
Classification: Pathogenic. Last evaluated: 2023-02-23. Review status: criteria provided, single submitter. Criteria: Invitae Variant Classification Sherloc (09022015). Collection method: clinical testing. Allele origin: germline.
Comment: This sequence change results in a frameshift in the NKX2-1 gene (p.Asp178Glyfs*261). While this is not anticipated to result in nonsense mediated decay, it is expected to disrupt the last 224 amino acid(s) of the NKX2-1 protein and extend the protein by 36 additional amino acid residues. This variant is not present in population databases (gnomAD no frequency). This variant has not been reported in the literature in individuals affected with NKX2-1-related conditions. Algorithms developed to predict the effect of sequence changes on RNA splicing suggest that this variant may create or strengthen a splice site. This variant disrupts a region of the NKX2-1 protein in which other variant(s) (p.Gln356*) have been determined to be pathogenic (Invitae). This suggests that this is a clinically significant region of the protein, and that variants that disrupt it are likely to be disease-causing. For these reasons, this variant has been classified as Pathogenic.